The following is an entry in ClinVar:

NM_001289104.2(PRKCSH):c.1083C>G (p.Asp361Glu)

Gene: PRKCSH (PRKCSH beta subunit of glucosidase II; plus strand). Cytogenetic location: 19p13.2.
Variant type: single nucleotide variant.
Coding change: c.1083C>G on transcript NM_001289104.2 (MANE Select); coding-DNA position 1083, C replaced by G.
Protein change: p.Asp361Glu; replaces aspartic acid 361 with glutamic acid.
Molecular consequence: missense variant.
Genome position (GRCh38, 1-based): chr19:11,447,746, C>G. VCF-style: chr19-11447746-C-G. GRCh37 (hg19) VCF-style: chr19-11558561-C-G.
Other names: c.1053C>G, p.Asp351Glu (NM_001001329.3, NM_001289102.2, NM_001379609.1); c.1083C>G, p.Asp361Glu (NM_001289103.2); c.1062C>G, p.Asp354Glu (NM_001379608.1, NM_002743.3); short protein forms D354E, D351E, D361E.
Identifiers: ClinVar variation 2804302 (VCV002804302.3), dbSNP rs1157083542, ClinGen allele CA404136276.
Genomic context (GRCh38, chr19:11,447,746, plus strand): 5'-GCCCCAGGAGGCCCCACCGCCACTGTCACCCCCGCAGCCGGCCAGCCCTGCTGAGGAAGA[C>G]AAAATGCCGCCCTACGACGAGCAGACGCAGGCCTTCATCGATGGTGAGGGTGGGCGGGGG-3'
Protein context (NP_001276033.1, residues 351-371): PPQPASPAEE[Asp361Glu]KMPPYDEQTQ

ClinVar aggregate classification (germline): Uncertain significance (1 of 4 stars; one submission).

Submission:

Labcorp Genetics (formerly Invitae), Labcorp
Classification: Uncertain significance. Last evaluated: 2023-10-22. Review status: criteria provided, single submitter. Criteria: Invitae Variant Classification Sherloc (09022015). Collection method: clinical testing. Allele origin: germline.
Comment: This sequence change replaces aspartic acid, which is acidic and polar, with glutamic acid, which is acidic and polar, at codon 354 of the PRKCSH protein (p.Asp354Glu). This variant is not present in population databases (gnomAD no frequency). This variant has not been reported in the literature in individuals affected with PRKCSH-related conditions. Algorithms developed to predict the effect of missense changes on protein structure and function output the following: SIFT: "Not Available"; PolyPhen-2: "Benign"; Align-GVGD: "Not Available". The glutamic acid amino acid residue is found in multiple mammalian species, which suggests that this missense change does not adversely affect protein function. In summary, the available evidence is currently insufficient to determine the role of this variant in disease. Therefore, it has been classified as a Variant of Uncertain Significance.